The following continues an entry in ClinVar:

NM_000969.5(RPL5):c.3+3G>C

Gene: RPL5. ClinVar aggregate classification (germline): Benign/Likely benign. Benign (4); Likely benign (7).

Submissions 29 to 44 of 44:

Dr. Peter K. Rogan Lab, Western University
No classification provided (evidence only). Condition: Cervical cancer. Review status: no classification provided. Collection method: in vitro. Allele origin: not applicable. Functional consequence: retained intron. Not counted in ClinVar's aggregate classification.

Dr. Peter K. Rogan Lab, Western University
No classification provided (evidence only). Condition: Cervical cancer. Review status: no classification provided. Collection method: in vitro. Allele origin: not applicable. Functional consequence: retained intron. Not counted in ClinVar's aggregate classification.

Dr. Peter K. Rogan Lab, Western University
No classification provided (evidence only). Condition: Sarcoma. Review status: no classification provided. Collection method: in vitro. Allele origin: not applicable. Functional consequence: retained intron. Not counted in ClinVar's aggregate classification.

Dr. Peter K. Rogan Lab, Western University
No classification provided (evidence only). Condition: Nonpapillary renal cell carcinoma. Review status: no classification provided. Collection method: in vitro. Allele origin: not applicable. Functional consequence: retained intron. Not counted in ClinVar's aggregate classification.

Dr. Peter K. Rogan Lab, Western University
No classification provided (evidence only). Condition: Thymoma. Review status: no classification provided. Collection method: in vitro. Allele origin: not applicable. Functional consequence: retained intron. Not counted in ClinVar's aggregate classification.

Dr. Peter K. Rogan Lab, Western University
No classification provided (evidence only). Condition: Cholangiocarcinoma. Review status: no classification provided. Collection method: in vitro. Allele origin: not applicable. Functional consequence: retained intron. Not counted in ClinVar's aggregate classification.

Dr. Peter K. Rogan Lab, Western University
No classification provided (evidence only). Condition: Gastric cancer. Review status: no classification provided. Collection method: in vitro. Allele origin: not applicable. Functional consequence: retained intron. Not counted in ClinVar's aggregate classification.

Dr. Peter K. Rogan Lab, Western University
No classification provided (evidence only). Condition: Uterine carcinosarcoma. Review status: no classification provided. Collection method: in vitro. Allele origin: not applicable. Functional consequence: retained intron. Not counted in ClinVar's aggregate classification.

Dr. Peter K. Rogan Lab, Western University
No classification provided (evidence only). Condition: Uveal melanoma. Review status: no classification provided. Collection method: in vitro. Allele origin: not applicable. Functional consequence: retained intron. Not counted in ClinVar's aggregate classification.

Dr. Peter K. Rogan Lab, Western University
No classification provided (evidence only). Condition: Malignant tumor of esophagus. Review status: no classification provided. Collection method: in vitro. Allele origin: not applicable. Functional consequence: retained intron. Not counted in ClinVar's aggregate classification.

Dr. Peter K. Rogan Lab, Western University
No classification provided (evidence only). Condition: Chronic lymphocytic leukemia/small lymphocytic lymphoma. Review status: no classification provided. Collection method: in vitro. Allele origin: not applicable. Functional consequence: retained intron. Not counted in ClinVar's aggregate classification.

Dr. Peter K. Rogan Lab, Western University
No classification provided (evidence only). Condition: Nonpapillary renal cell carcinoma. Review status: no classification provided. Collection method: in vitro. Allele origin: not applicable. Functional consequence: retained intron. Not counted in ClinVar's aggregate classification.

Dr. Peter K. Rogan Lab, Western University
No classification provided (evidence only). Condition: Lymphoma. Review status: no classification provided. Collection method: in vitro. Allele origin: not applicable. Functional consequence: retained intron. Not counted in ClinVar's aggregate classification.

Dr. Peter K. Rogan Lab, Western University
No classification provided (evidence only). Condition: Ovarian cancer. Review status: no classification provided. Collection method: in vitro. Allele origin: not applicable. Functional consequence: retained intron. Not counted in ClinVar's aggregate classification.

Genome Diagnostics Laboratory, University Medical Center Utrecht
Classification: Likely benign. Review status: no assertion criteria provided. Collection method: clinical testing. Allele origin: germline. Affected: yes. Study: VKGL Data-share Consensus. Not counted in ClinVar's aggregate classification.

Laboratory of Diagnostic Genome Analysis, Leiden University Medical Center (LUMC)
Classification: Likely benign. Review status: no assertion criteria provided. Collection method: clinical testing. Allele origin: germline. Affected: yes. Study: VKGL Data-share Consensus. Not counted in ClinVar's aggregate classification.